The following is an entry in ClinVar:

ClinVar aggregate classification (germline): Pathogenic. Review status: criteria provided, multiple submitters, no conflicts (2 of 4 stars). 3 submissions from 3 submitters: Pathogenic (3). Last evaluated 2026-01-13.

Conditions:
Deficiency of alpha-mannosidase (MANSA). Also called: LYSOSOMAL ALPHA-D-MANNOSIDASE DEFICIENCY; Alpha-Mannosidosis; Mannosidosis, alpha-, types I and II. Identifiers: Orphanet 61, MedGen C0024748, MONDO:0009561, OMIM 248500.

Submissions (3):

Labcorp Genetics (formerly Invitae), Labcorp
Classification: Pathogenic for Deficiency of alpha-mannosidase. Last evaluated: 2026-01-13. Review status: criteria provided, single submitter. Criteria: Invitae Variant Classification Sherloc (09022015). Collection method: clinical testing. Allele origin: germline.
Comment: This sequence change creates a premature translational stop signal (p.Arg188Aspfs*58) in the MAN2B1 gene. It is expected to result in an absent or disrupted protein product. Loss-of-function variants in MAN2B1 are known to be pathogenic (PMID: 9915946, 22161967). The frequency data for this variant in the population databases is considered unreliable, as metrics indicate poor data quality at this position in the gnomAD database. This premature translational stop signal has been observed in individual(s) with MAN2B1-related conditions (PMID: 22161967). ClinVar contains an entry for this variant (Variation ID: 1454963). For these reasons, this variant has been classified as Pathogenic.

Natera, Inc.
Classification: Pathogenic for Alpha-mannosidosis. Last evaluated: 2025-02-18. Review status: criteria provided, single submitter. Criteria: Natera Variant Classification Schema (03/2026). Collection method: clinical testing. Allele origin: germline.
Comment: The c.561delG variant in MAN2B1 is a frameshift variant predicted to shift the reading frame beginning at codon 188 and leads to a stop codon 58 codons downstream. This variant is expected to result in nonsense mediated decay, truncation, or a dysfunctional protein product. This variant is rare in the general population with a frequency below the threshold expected for the associated phenotype(s). This variant has been observed in one or more individuals affected with the associated recessive disease, as either homozygous or compound heterozygous with a second variant (PMID: 22161967). Given the available evidence, this variant is classified as Pathogenic.

Fulgent Genetics
Classification: Pathogenic for Deficiency of alpha-mannosidase. Last evaluated: 2024-01-23. Review status: criteria provided, single submitter. Criteria: ACMG Guidelines, 2015. Collection method: clinical testing. Allele origin: germline.

Literature cited by the submitters: PubMed 9915946 (cited by Labcorp Genetics (formerly Invitae), Labcorp); PubMed 22161967 (cited by Labcorp Genetics (formerly Invitae), Labcorp and Natera, Inc.).

NM_000528.4(MAN2B1):c.561del (p.Arg188fs)

Gene: MAN2B1 (mannosidase alpha class 2B member 1; minus strand). Cytogenetic location: 19p13.13.
Variant type: Deletion.
Coding change: c.561del on transcript NM_000528.4 (MANE Select); coding-DNA position 561, one base deleted (G; older notation c.561delG).
Protein change: p.Arg188fs; shifts the reading frame from arginine 188.
Molecular consequence: frameshift variant.
Genome position (GRCh38, 1-based): chr19:12,664,861, C deleted on the plus strand (G on the coding strand, the reverse complement: MAN2B1 is on the minus strand); the first of 3 consecutive C bases (chr19:12,664,861-12,664,863); deleting any one gives the same sequence. VCF-style (leftmost placement, unchanged base first): chr19-12664860-GC-G. GRCh37 (hg19) VCF-style: chr19-12775674-GC-G.
Other names: c.561delG (NM_000528.3); c.561del, p.Arg188fs (NM_001173498.2); short protein forms R188fs.
Identifiers: ClinVar variation 1454963 (VCV001454963.11), dbSNP rs770297337, ClinGen allele CA9226781.